The following is an entry in ClinVar:

NM_012431.3(SEMA3E):c.758T>C (p.Leu253Pro)

Gene: SEMA3E (semaphorin 3E; minus strand). Cytogenetic location: 7q21.11.
Variant type: single nucleotide variant.
Coding change: c.758T>C on transcript NM_012431.3 (MANE Select); coding-DNA position 758, T replaced by C.
Protein change: p.Leu253Pro; replaces leucine 253 with proline.
Molecular consequence: missense variant.
Genome position (GRCh38, 1-based): chr7:83,407,152, A>G on the plus strand (T>C on the coding strand, the complement: SEMA3E is on the minus strand). VCF-style: chr7-83407152-A-G. GRCh37 (hg19) VCF-style: chr7-83036468-A-G.
Other names: c.578T>C, p.Leu193Pro (NM_001178129.2); short protein forms L193P, L253P.
Identifiers: ClinVar variation 2174477 (VCV002174477.4), dbSNP rs1279421721, ClinGen allele CA367930264.

ClinVar aggregate classification (germline): Uncertain significance (1 of 4 stars; one submission).

Conditions:
CHARGE syndrome (CHARGE). Also called: Hittner Hirsch Kreh syndrome; CHARGE ASSOCIATION--COLOBOMA, HEART ANOMALY, CHOANAL ATRESIA, RETARDATION, GENITAL AND EAR ANOMALIES; Coloboma, heart anomaly, choanal atresia, retardation, genital and ear anomalies; CHARGE association; Hall-Hittner syndrome. Identifiers: Orphanet 138, MedGen C0265354, MONDO:0008965.

Allele frequency attached by ClinVar (database versions not stated): gnomAD exomes below 0.00001.
gnomAD v4.1: 1 of 1,613,676 alleles (0.000062%); highest among the groups gnomAD compares: Admixed American, 0.0017%; no homozygotes.

Submission:

Labcorp Genetics (formerly Invitae), Labcorp
Classification: Uncertain significance for CHARGE syndrome. Last evaluated: 2025-06-23. Review status: criteria provided, single submitter. Criteria: Invitae Variant Classification Sherloc (09022015). Collection method: clinical testing. Allele origin: germline.
Comment: This sequence change replaces leucine, which is neutral and non-polar, with proline, which is neutral and non-polar, at codon 253 of the SEMA3E protein (p.Leu253Pro). This variant is present in population databases (no rsID available, gnomAD 0.003%). This variant has not been reported in the literature in individuals affected with SEMA3E-related conditions. ClinVar contains an entry for this variant (Variation ID: 2174477). Invitae Evidence Modeling of protein sequence and biophysical properties (such as structural, functional, and spatial information, amino acid conservation, physicochemical variation, residue mobility, and thermodynamic stability) indicates that this missense variant is not expected to disrupt SEMA3E protein function with a negative predictive value of 80%. In summary, the available evidence is currently insufficient to determine the role of this variant in disease. Therefore, it has been classified as a Variant of Uncertain Significance.